The following is an entry in ClinVar:

NM_018975.4(TERF2IP):c.256G>T (p.Asp86Tyr)

Gene: TERF2IP (TERF2 interacting protein; plus strand). Cytogenetic location: 16q23.1.
Variant type: single nucleotide variant.
Coding change: c.256G>T on transcript NM_018975.4 (MANE Select); coding-DNA position 256, G replaced by T.
Protein change: p.Asp86Tyr; replaces aspartic acid 86 with tyrosine.
Molecular consequence: missense variant. On other transcripts: non-coding transcript variant (1).
Genome position (GRCh38, 1-based): chr16:75,648,138, G>T. VCF-style: chr16-75648138-G-T. GRCh37 (hg19) VCF-style: chr16-75682036-G-T.
Other names: short protein forms D86Y.
Identifiers: ClinVar variation 1793229 (VCV001793229.7), dbSNP rs778839900, ClinGen allele CA396817538.

ClinVar aggregate classification (germline): Uncertain significance. Review status: criteria provided, multiple submitters, no conflicts (2 of 4 stars). 3 submissions from 3 submitters: Uncertain significance (3). Last evaluated 2025-09-01.

Submissions (3):

Ambry Genetics
Classification: Uncertain significance. Last evaluated: 2025-09-01. Review status: criteria provided, single submitter. Criteria: Ambry Variant Classification Scheme 2023. Collection method: clinical testing. Allele origin: germline.

Labcorp Genetics (formerly Invitae), Labcorp
Classification: Uncertain significance. Last evaluated: 2025-07-15. Review status: criteria provided, single submitter. Criteria: Invitae Variant Classification Sherloc (09022015). Collection method: clinical testing. Allele origin: germline.
Comment: This sequence change replaces aspartic acid, which is acidic and polar, with tyrosine, which is neutral and polar, at codon 86 of the TERF2IP protein (p.Asp86Tyr). This variant is not present in population databases (gnomAD no frequency). This variant has not been reported in the literature in individuals affected with TERF2IP-related conditions. ClinVar contains an entry for this variant (Variation ID: 1793229). An algorithm developed to predict the effect of missense changes on protein structure and function (PolyPhen-2) suggests that this variant is likely to be disruptive. In summary, the available evidence is currently insufficient to determine the role of this variant in disease. Therefore, it has been classified as a Variant of Uncertain Significance.

Center for Genomic Medicine, Rigshospitalet, Copenhagen University Hospital
Classification: Uncertain significance. Last evaluated: 2025-03-04. Review status: criteria provided, single submitter. Criteria: ACMG Guidelines, 2015. Collection method: clinical testing. Allele origin: germline.